The following is an entry in ClinVar:

NM_005559.4(LAMA1):c.7195+2T>C

Gene: LAMA1 (laminin subunit alpha 1; minus strand). Cytogenetic location: 18p11.31.
Variant type: single nucleotide variant.
Coding change: c.7195+2T>C on transcript NM_005559.4 (MANE Select); the canonical splice donor site of the intron after coding-DNA position 7195, T replaced by C.
Molecular consequence: splice donor variant.
Genome position (GRCh38, 1-based): chr18:6,965,286, A>G on the plus strand (T>C on the coding strand, the complement: LAMA1 is on the minus strand). VCF-style: chr18-6965286-A-G. GRCh37 (hg19) VCF-style: chr18-6965285-A-G.
Identifiers: ClinVar variation 4537168 (VCV004537168.1).

ClinVar aggregate classification (germline): Likely pathogenic (1 of 4 stars; one submission).

Conditions:
Ataxia - intellectual disability - oculomotor apraxia - cerebellar cysts syndrome. Also called: Poretti-Boltshauser syndrome. Identifiers: Orphanet 370022, MedGen C4014821, MONDO:0014419, OMIM 615960.

Submission:

Women's Health and Genetics/Laboratory Corporation of America, LabCorp
Classification: Likely pathogenic for Ataxia - intellectual disability - oculomotor apraxia - cerebellar cysts syndrome. Last evaluated: 2025-11-26. Review status: criteria provided, single submitter. Criteria: LabCorp Variant Classification Summary - May 2015. Collection method: clinical testing. Allele origin: germline.
Comment: Variant summary: LAMA1 c.7195+2T>C is located in a canonical splice-site and is predicted to affect mRNA splicing resulting in a significantly altered protein due to either exon skipping, shortening, or inclusion of intronic material. Variants that disrupt the consensus splice site are a relatively common cause of aberrant splicing and loss of LAMA1 function. Several computational tools predict a significant impact on normal splicing: Three predict the variant abolishes a canonical 5' splicing donor site. One predicts the variant has no significant impact on splicing. However, these predictions have yet to be confirmed by functional studies. The variant was absent in 251482 control chromosomes (gnomAD). To our knowledge, no occurrence of c.7195+2T>C in individuals affected with LAMA1-related conditions and no experimental evidence demonstrating its impact on protein function have been reported. No submitters have cited clinical-significance assessments for this variant to ClinVar. Based on the evidence outlined above, the variant was classified as likely pathogenic.